The following is an entry in ClinVar:

NM_000719.7(CACNA1C):c.5587G>A (p.Asp1863Asn)

Genes: CACNA1C (calcium voltage-gated channel subunit alpha1 C; plus strand), CACNA1C-AS1 (CACNA1C antisense RNA 1; minus strand). Cytogenetic location: 12p13.33.
Variant type: single nucleotide variant.
Coding change: c.5587G>A on transcript NM_000719.7 (MANE Select); coding-DNA position 5587, G replaced by A.
Protein change: p.Asp1863Asn; replaces aspartic acid 1863 with asparagine.
Molecular consequence: missense variant.
Genome position (GRCh38, 1-based): chr12:2,685,749, G>A. VCF-style: chr12-2685749-G-A. GRCh37 (hg19) VCF-style: chr12-2794915-G-A.
Other names: c.5731G>A, p.Asp1911Asn (NM_001129827.2); c.5710G>A, p.Asp1904Asn (NM_001129829.2); c.5692G>A, p.Asp1898Asn (NM_001129830.3, NM_001167624.3); c.5671G>A, p.Asp1891Asn (NM_001129831.2); c.5647G>A, p.Asp1883Asn (NM_001129832.2); c.5644G>A, p.Asp1882Asn (NM_001129833.2, NM_001129834.2, NM_001129835.2); c.5638G>A, p.Asp1880Asn (NM_001129836.2); c.5611G>A, p.Asp1871Asn (NM_001129837.2, NM_001129838.2); and 6 more; short protein forms D1852N, D1860N, D1863N, D1869N, D1871N, D1880N, D1882N, D1883N.
Identifiers: ClinVar variation 4809711 (VCV004809711.1).

ClinVar aggregate classification (germline): Uncertain significance (1 of 4 stars; one submission).

Conditions:
Long QT syndrome (LQTS). Identifiers: MedGen C0023976, MeSH D008133, MONDO:0002442. Disease mechanism: loss of function. Inheritance: Various modes of inheritance.

gnomAD v4.1: 10 of 1,613,460 alleles (0.00062%); highest among the groups gnomAD compares: South Asian, 0.011%; no homozygotes.

Submission:

Labcorp Genetics (formerly Invitae), Labcorp
Classification: Uncertain significance for Long QT syndrome. Last evaluated: 2025-03-19. Review status: criteria provided, single submitter. Criteria: Invitae Variant Classification Sherloc (09022015). Collection method: clinical testing. Allele origin: germline.
Comment: This sequence change replaces aspartic acid, which is acidic and polar, with asparagine, which is neutral and polar, at codon 1863 of the CACNA1C protein (p.Asp1863Asn). This variant is present in population databases (rs781297395, gnomAD 0.006%). This variant has not been reported in the literature in individuals affected with CACNA1C-related conditions. Invitae Evidence Modeling of protein sequence and biophysical properties (such as structural, functional, and spatial information, amino acid conservation, physicochemical variation, residue mobility, and thermodynamic stability) indicates that this missense variant is not expected to disrupt CACNA1C protein function with a negative predictive value of 95%. In summary, the available evidence is currently insufficient to determine the role of this variant in disease. Therefore, it has been classified as a Variant of Uncertain Significance.